The following is an entry in ClinVar:

ClinVar aggregate classification (germline): Conflicting classifications of pathogenicity. Review status: criteria provided, conflicting classifications (1 of 4 stars). 3 submissions from 3 submitters: Uncertain significance (2); Likely benign (1). Last evaluated 2025-09-17.

Conditions:
Von Hippel-Lindau syndrome (VHLS). Also called: Von Hippel-Lindau; VHL syndrome; von Hippel–Lindau syndrome. Identifiers: Orphanet 892, MedGen C0019562, MONDO:0008667, OMIM 193300. Disease mechanism: loss of function.

gnomAD v4.1: 2 of 1,536,232 alleles (0.00013%); highest among the groups gnomAD compares: East Asian, 0.0049%; no homozygotes.

Submissions (3):

Color Diagnostics, LLC DBA Color Health
Classification: Uncertain significance for Von Hippel-Lindau syndrome. Last evaluated: 2025-09-17. Review status: criteria provided, single submitter. Criteria: ACMG Guidelines, 2015. Collection method: clinical testing. Allele origin: germline.
Comment: This variant is located in the 5' untranslated region of the VHL gene. To our knowledge, functional studies have not been reported for this variant. This variant has not been reported in individuals affected with VHL-related disorders in the literature. This variant has been identified in 3/135660 chromosomes in the general population by the Genome Aggregation Database (gnomAD). Although there is a suspicion that this variant may not be associated with disease, additional studies are necessary to determine the role of this variant in disease conclusively. Therefore, this variant is classified as a Variant of Uncertain Significance.

Myriad Genetics, Inc.
Classification: Likely benign for Von Hippel-Lindau syndrome. Last evaluated: 2025-06-10. Review status: criteria provided, single submitter. Criteria: Myriad Autosomal Dominant, Autosomal Recessive and X-Linked Classification Criteria (2023). Collection method: clinical testing. Allele origin: unknown.
Comment: This variant is considered likely benign. This variant has been observed at a population frequency that is significantly greater than expected given the associated disease prevalence and penetrance.

All of Us Research Program, National Institutes of Health
Classification: Uncertain significance for Von Hippel-Lindau syndrome. Last evaluated: 2024-08-06. Review status: criteria provided, single submitter. Criteria: ACMG Guidelines, 2015. Collection method: clinical testing. Allele origin: germline. Inheritance: Autosomal dominant inheritance. Observed: 1 variant allele, 1 heterozygote.
Comment: This study involves interpretation of variants in research participants for the purpose of population health screening. Participant phenotype was not available at the time of variant classification. Additional details can be found in publication PMID: 35346344, PMCID: PMC8962531

NM_000551.4(VHL):c.-10C>G

Gene: VHL (von Hippel-Lindau tumor suppressor; plus strand). Cytogenetic location: 3p25.3.
Variant type: single nucleotide variant.
Coding change: c.-10C>G on transcript NM_000551.4 (MANE Select); 10 bases upstream of the start codon, C replaced by G.
Molecular consequence: 5 prime UTR variant. On other transcripts: non-coding transcript variant (1).
Genome position (GRCh38, 1-based): chr3:10,141,838, C>G. VCF-style: chr3-10141838-C-G. GRCh37 (hg19) VCF-style: chr3-10183522-C-G.
Other names: c.-10C>G (NM_001354723.2, NM_198156.3).
Identifiers: ClinVar variation 3386187 (VCV003386187.3).